The following is an entry in ClinVar:

NM_001035.3(RYR2):c.3616A>G (p.Ser1206Gly)

Gene: RYR2 (ryanodine receptor 2; plus strand). Cytogenetic location: 1q43.
Variant type: single nucleotide variant.
Coding change: c.3616A>G on transcript NM_001035.3 (MANE Select); coding-DNA position 3616, A replaced by G.
Protein change: p.Ser1206Gly; replaces serine 1206 with glycine.
Molecular consequence: missense variant.
Genome position (GRCh38, 1-based): chr1:237,589,810, A>G. VCF-style: chr1-237589810-A-G. GRCh37 (hg19) VCF-style: chr1-237753110-A-G.
Other names: short protein forms S1206G.
Identifiers: ClinVar variation 2774284 (VCV002774284.2), dbSNP rs2546605969, ClinGen allele CA345396165.

ClinVar aggregate classification (germline): Uncertain significance (1 of 4 stars; one submission).

Conditions:
Cardiomyopathy (CMYO). Also called: Cardiomyopathies. Identifiers: Orphanet 167848, MedGen C0878544, MONDO:0004994, HP:0001638. Inheritance: Various modes of inheritance.

Submission:

Color Diagnostics, LLC DBA Color Health
Classification: Uncertain significance for Cardiomyopathy. Last evaluated: 2023-07-17. Review status: criteria provided, single submitter. Criteria: ACMG Guidelines, 2015. Collection method: clinical testing. Allele origin: germline.
Comment: This missense variant replaces serine with glycine at codon 1206 of the RYR2 protein. Computational prediction is inconclusive regarding the impact of this variant on protein structure and function (internally defined REVEL score threshold 0.5 < inconclusive < 0.7, PMID: 27666373). To our knowledge, functional studies have not been reported for this variant. This variant has not been reported in individuals affected with RYR2-related disorders in the literature. This variant has not been identified in the general population by the Genome Aggregation Database (gnomAD). The available evidence is insufficient to determine the role of this variant in disease conclusively. Therefore, this variant is classified as a Variant of Uncertain Significance.